The following is an entry in ClinVar:

NM_001379180.1(ESRRB):c.*1451C>A

Gene: ESRRB (estrogen related receptor beta; plus strand). Cytogenetic location: 14q24.3.
Variant type: single nucleotide variant.
Coding change: c.*1451C>A on transcript NM_001379180.1 (MANE Select); 1451 bases downstream of the stop codon, C replaced by A.
Molecular consequence: 3 prime UTR variant. On other transcripts: nonsense (1).
Genome position (GRCh38, 1-based): chr14:76,499,909, C>A. VCF-style: chr14-76499909-C-A. GRCh37 (hg19) VCF-style: chr14-76966252-C-A.
Other names: c.*1451C>A (NM_001411038.1); c.1343C>A, p.Ser448Ter (NM_004452.4); short protein forms S448*.
Identifiers: ClinVar variation 3771628 (VCV003771628.13).

ClinVar aggregate classification (germline): Likely pathogenic (1 of 4 stars; one submission).

gnomAD v4.1: 5 of 1,614,154 alleles (0.00031%); highest among the groups gnomAD compares: Non-Finnish European, 0.00042%; no homozygotes.

Submission:

CeGaT Center for Human Genetics Tuebingen
Classification: Likely pathogenic. Last evaluated: 2025-02-01. Review status: criteria provided, single submitter. Criteria: CeGaT Center For Human Genetics Tuebingen Variant Classification Criteria Version 2. Collection method: clinical testing. Allele origin: germline. Affected: yes. Observed: 1 variant allele.
Comment: ESRRB: PVS1:Strong, PM2